The following is an entry in ClinVar:

NM_002485.5(NBN):c.1154A>G (p.Lys385Arg)

Gene: NBN (nibrin; minus strand). Cytogenetic location: 8q21.3.
Variant type: single nucleotide variant.
Coding change: c.1154A>G on transcript NM_002485.5 (MANE Select); coding-DNA position 1154, A replaced by G.
Protein change: p.Lys385Arg; replaces lysine 385 with arginine.
Molecular consequence: missense variant.
Genome position (GRCh38, 1-based): chr8:89,955,526, T>C on the plus strand (A>G on the coding strand, the complement: NBN is on the minus strand). VCF-style: chr8-89955526-T-C. GRCh37 (hg19) VCF-style: chr8-90967754-T-C.
Other names: c.908A>G, p.Lys303Arg (NM_001024688.3); short protein forms K303R, K385R.
Identifiers: ClinVar variation 640664 (VCV000640664.12), dbSNP rs769453547, ClinGen allele CA4802788.

ClinVar aggregate classification (germline): Uncertain significance. Review status: criteria provided, multiple submitters, no conflicts (2 of 4 stars). 4 submissions from 4 submitters: Uncertain significance (3). 1 of the submissions does not count toward it. Last evaluated 2023-02-17.

Conditions:
Microcephaly, normal intelligence and immunodeficiency (NBS). Also called: IMMUNODEFICIENCY, MICROCEPHALY, AND CHROMOSOMAL INSTABILITY; Immunodeficiency, microcephaly with normal intelligence; SEEMANOVA SYNDROME II; Ataxia telangiectasia variant V1; Microcephaly with normal intelligence immunodeficiency and lymphoreticular malignancies; Nonsyndromal microcephaly autosomal recessive with normal intelligence. Identifiers: Orphanet 647, MedGen C0398791, MONDO:0009623, OMIM 251260.
Hereditary cancer-predisposing syndrome. Also called: Neoplastic Syndromes, Hereditary; Hereditary Cancer Syndrome; Hereditary neoplastic syndrome; Tumor predisposition. Identifiers: Orphanet 140162, MedGen C0027672, MeSH D009386, MONDO:0015356.

Allele frequency attached by ClinVar (database versions not stated): gnomAD exomes below 0.00001; ExAC 0.00001; gnomAD 0.00001.
gnomAD v4.1: 3 of 1,613,422 alleles (0.00019%); highest among the groups gnomAD compares: Admixed American, 0.0033%; no homozygotes.

Submissions (4):

Quest Diagnostics Nichols Institute San Juan Capistrano
Classification: Uncertain significance. Last evaluated: 2023-02-17. Review status: criteria provided, single submitter. Criteria: Quest Diagnostics criteria. Collection method: clinical testing. Allele origin: unknown.
Comment: The variant has not been reported in the published literature. The frequency of this variant in the general population, 0.000011 (3/281600 chromosomes), is uninformative in assessment of its pathogenicity. Analysis of this variant using bioinformatics tools for the prediction of the effect of amino acid changes on protein structure and function yielded conflicting predictions that this variant is benign or damaging. Based on the available information, we are unable to determine the clinical significance of this variant.

Labcorp Genetics (formerly Invitae), Labcorp
Classification: Uncertain significance for Microcephaly, normal intelligence and immunodeficiency. Last evaluated: 2022-02-11. Review status: criteria provided, single submitter. Criteria: Invitae Variant Classification Sherloc (09022015). Collection method: clinical testing. Allele origin: germline.
Comment: This sequence change replaces lysine, which is basic and polar, with arginine, which is basic and polar, at codon 385 of the NBN protein (p.Lys385Arg). This variant is present in population databases (rs769453547, gnomAD 0.003%). This variant has not been reported in the literature in individuals affected with NBN-related conditions. ClinVar contains an entry for this variant (Variation ID: 640664). Algorithms developed to predict the effect of missense changes on protein structure and function output the following: SIFT: "Tolerated"; PolyPhen-2: "Benign"; Align-GVGD: "Class C0". The arginine amino acid residue is found in multiple mammalian species, which suggests that this missense change does not adversely affect protein function. In summary, the available evidence is currently insufficient to determine the role of this variant in disease. Therefore, it has been classified as a Variant of Uncertain Significance.

Ambry Genetics
Classification: Uncertain significance for Hereditary cancer-predisposing syndrome. Last evaluated: 2021-11-09. Review status: criteria provided, single submitter. Criteria: Ambry Variant Classification Scheme 2023. Collection method: clinical testing. Allele origin: germline.
Comment: The p.K385R variant (also known as c.1154A>G), located in coding exon 10 of the NBN gene, results from an A to G substitution at nucleotide position 1154. The lysine at codon 385 is replaced by arginine, an amino acid with highly similar properties. This amino acid position is conserved. In addition, this alteration is predicted to be tolerated by in silico analysis. Since supporting evidence is limited at this time, the clinical significance of this alteration remains unclear.

Natera, Inc.
Classification: Uncertain significance for Nijmegen breakage syndrome. Last evaluated: 2025-03-03. Review status: no assertion criteria provided. Collection method: clinical testing. Allele origin: germline. Not counted in ClinVar's aggregate classification.